The following is an entry in ClinVar:

ClinVar aggregate classification (germline): Uncertain significance (1 of 4 stars; one submission).

gnomAD v4.1: 13 of 1,478,992 alleles (0.00088%); highest among the groups gnomAD compares: South Asian, 0.009%; no homozygotes.

Submission:

GeneDx
Classification: Uncertain significance. Last evaluated: 2025-05-19. Review status: criteria provided, single submitter. Criteria: GeneDx Variant Classification Process June 2021. Collection method: clinical testing. Allele origin: germline. Affected: yes.
Comment: In silico analysis supports a deleterious effect on splicing; Has not been previously published as pathogenic or benign to our knowledge

NM_173689.7(CRB2):c.2757C>T (p.Gly919=)

Gene: CRB2 (crumbs cell polarity complex component 2; plus strand). Cytogenetic location: 9q33.3.
Variant type: single nucleotide variant.
Coding change: c.2757C>T on transcript NM_173689.7 (MANE Select); coding-DNA position 2757, C replaced by T.
Protein change: p.Gly919=; no amino-acid change (glycine 919 retained).
Molecular consequence: synonymous variant. On other transcripts: non-coding transcript variant (1).
Genome position (GRCh38, 1-based): chr9:123,373,288, C>T. VCF-style: chr9-123373288-C-T. GRCh37 (hg19) VCF-style: chr9-126135567-C-T.
Identifiers: ClinVar variation 4530988 (VCV004530988.1).